The following is an entry in ClinVar:

NM_001394372.1(BICRA):c.1770C>A (p.Pro590=)

Gene: BICRA (BRD4 interacting chromatin remodeling complex associated protein; plus strand). Cytogenetic location: 19q13.33.
Variant type: single nucleotide variant.
Coding change: c.1770C>A on transcript NM_001394372.1 (MANE Select); coding-DNA position 1770, C replaced by A.
Protein change: p.Pro590=; no amino-acid change (proline 590 retained).
Molecular consequence: synonymous variant.
Genome position (GRCh38, 1-based): chr19:47,680,940, C>A. VCF-style: chr19-47680940-C-A. GRCh37 (hg19) VCF-style: chr19-48184197-C-A.
Other names: c.1770C>A, p.Pro590= (NM_015711.3).
Identifiers: ClinVar variation 4872888 (VCV004872888.2).

ClinVar aggregate classification (germline): Likely benign (1 of 4 stars; one submission).

gnomAD v4.1: 5 of 1,478,574 alleles (0.00034%); highest among the groups gnomAD compares: Non-Finnish European, 0.00044%; no homozygotes.

Submission:

CeGaT Center for Human Genetics Tuebingen
Classification: Likely benign. Last evaluated: 2026-05-01. Review status: criteria provided, single submitter. Criteria: CeGaT Center For Human Genetics Tuebingen Variant Classification Criteria Version 2. Collection method: clinical testing. Allele origin: germline. Affected: yes. Observed: 1 variant allele.
Comment: BICRA: BP4, BP7